The following is an entry in ClinVar:

ClinVar aggregate classification (germline): Conflicting classifications of pathogenicity. Review status: criteria provided, conflicting classifications (1 of 4 stars). 2 submissions from 2 submitters: Likely pathogenic (1); Uncertain significance (1). Last evaluated 2025-04-15.

Conditions:
Carnitine palmitoyltransferase II deficiency. Also called: Carnitine Palmitoyltransferase 2 Deficiency. Identifiers: Orphanet 157, MedGen C0342790, MONDO:0015515.

Allele frequency attached by ClinVar (database versions not stated): ExAC 0.00002; gnomAD 0.00002; gnomAD exomes 0.00002; TOPMed 0.00003.
gnomAD v4.1: 34 of 1,614,040 alleles (0.0021%); highest among the groups gnomAD compares: East Asian, 0.0089%; no homozygotes.

Submissions (2):

Natera, Inc.
Classification: Likely pathogenic for Carnitine palmitoyltransferase II deficiency. Last evaluated: 2025-04-15. Review status: criteria provided, single submitter. Criteria: Natera Variant Classification Schema (03/2026). Collection method: clinical testing. Allele origin: germline.
Comment: The c.1678C>T variant in CPT2 is a missense variant predicted to cause substitution of arginine to tryptophan at amino acid 560. This variant is rare in the general population with a frequency below the threshold expected for the associated phenotype(s). This variant has been observed in one or more individuals affected with the associated recessive disease, as either homozygous or compound heterozygous with a second variant (PMID: 30514913). Additionally, this variant has been observed to segregate in affected family members (PMID: 30514913). Computational prediction algorithms indicate this variant is likely to affect gene or protein function. Given the available evidence, this variant is classified as Likely Pathogenic.

Labcorp Genetics (formerly Invitae), Labcorp
Classification: Uncertain significance for Carnitine palmitoyltransferase II deficiency. Last evaluated: 2022-05-25. Review status: criteria provided, single submitter. Criteria: Invitae Variant Classification Sherloc (09022015). Collection method: clinical testing. Allele origin: germline.
Comment: This sequence change replaces arginine, which is basic and polar, with tryptophan, which is neutral and slightly polar, at codon 560 of the CPT2 protein (p.Arg560Trp). This variant is present in population databases (rs759016933, gnomAD 0.006%). This missense change has been observed in individual(s) with clinical features of CPT2-related conditions (PMID: 30912279). Advanced modeling of protein sequence and biophysical properties (such as structural, functional, and spatial information, amino acid conservation, physicochemical variation, residue mobility, and thermodynamic stability) performed at Invitae indicates that this missense variant is expected to disrupt CPT2 protein function. In summary, the available evidence is currently insufficient to determine the role of this variant in disease. Therefore, it has been classified as a Variant of Uncertain Significance.

Literature cited by the submitters: PubMed 30514913 (cited by Natera, Inc.); PubMed 30912279 (cited by Labcorp Genetics (formerly Invitae), Labcorp).

NM_000098.3(CPT2):c.1678C>T (p.Arg560Trp)

Gene: CPT2 (carnitine palmitoyltransferase 2; plus strand). Cytogenetic location: 1p32.3.
Variant type: single nucleotide variant.
Coding change: c.1678C>T on transcript NM_000098.3 (MANE Select); coding-DNA position 1678, C replaced by T.
Protein change: p.Arg560Trp; replaces arginine 560 with tryptophan.
Molecular consequence: missense variant.
Genome position (GRCh38, 1-based): chr1:53,213,296, C>T. VCF-style: chr1-53213296-C-T. GRCh37 (hg19) VCF-style: chr1-53678968-C-T.
Other names: c.1678C>T (NM_000098.2); c.1609C>T, p.Arg537Trp (NM_001330589.2); short protein forms R560W, R537W.
Identifiers: ClinVar variation 2040929 (VCV002040929.2), dbSNP rs759016933, ClinGen allele CA859261.